The following is an entry in ClinVar:

ClinVar aggregate classification (germline): Uncertain significance (1 of 4 stars; one submission).

Allele frequency attached by ClinVar (database versions not stated): TOPMed 0.00001; gnomAD 0.00002.
gnomAD v4.1: 22 of 1,590,250 alleles (0.0014%); highest among the groups gnomAD compares: South Asian, 0.017%; 1 homozygote.

Submission:

Labcorp Genetics (formerly Invitae), Labcorp
Classification: Uncertain significance. Last evaluated: 2023-02-17. Review status: criteria provided, single submitter. Criteria: Invitae Variant Classification Sherloc (09022015). Collection method: clinical testing. Allele origin: germline.
Comment: This variant occurs in a non-coding region of the ANKRD26 gene. It does not change the encoded amino acid sequence of the ANKRD26 protein. This variant is present in population databases (rs777906763, gnomAD 0.01%). This variant has not been reported in the literature in individuals affected with ANKRD26-related conditions. Experimental studies and prediction algorithms are not available or were not evaluated, and the functional significance of this variant is currently unknown. In summary, the available evidence is currently insufficient to determine the role of this variant in disease. Therefore, it has been classified as a Variant of Uncertain Significance.

NM_014915.3(ANKRD26):c.-70T>C

Gene: ANKRD26 (ankyrin repeat domain 26; minus strand). Cytogenetic location: 10p12.1.
Variant type: single nucleotide variant.
Coding change: c.-70T>C on transcript NM_014915.3 (MANE Select); 70 bases upstream of the start codon, T replaced by C.
Molecular consequence: 5 prime UTR variant.
Genome position (GRCh38, 1-based): chr10:27,100,396, A>G on the plus strand (T>C on the coding strand, the complement: ANKRD26 is on the minus strand). VCF-style: chr10-27100396-A-G. GRCh37 (hg19) VCF-style: chr10-27389325-A-G.
Other names: c.-70T>C (NM_001256053.2).
Identifiers: ClinVar variation 3021982 (VCV003021982.3), dbSNP rs777906763, ClinGen allele CA204453772.